The following is an entry in ClinVar:

NM_004484.4(GPC3):c.1337A>G (p.Asn446Ser)

Gene: GPC3 (glypican 3; minus strand). Cytogenetic location: Xq26.2.
Variant type: single nucleotide variant.
Coding change: c.1337A>G on transcript NM_004484.4 (MANE Select); coding-DNA position 1337, A replaced by G.
Protein change: p.Asn446Ser; replaces asparagine 446 with serine.
Molecular consequence: missense variant.
Genome position (GRCh38, 1-based): chrX:133,661,806, T>C on the plus strand (A>G on the coding strand, the complement: GPC3 is on the minus strand). VCF-style: chrX-133661806-T-C. GRCh37 (hg19) VCF-style: chrX-132795834-T-C.
Other names: c.1406A>G, p.Asn469Ser (NM_001164617.2); c.1289A>G, p.Asn430Ser (NM_001164618.2); c.1175A>G, p.Asn392Ser (NM_001164619.2); short protein forms N392S, N430S, N446S, N469S.
Identifiers: ClinVar variation 3250424 (VCV003250424.2), dbSNP rs2521016222.

ClinVar aggregate classification (germline): Uncertain significance. Review status: criteria provided, multiple submitters, no conflicts (2 of 4 stars). 2 submissions from 2 submitters: Uncertain significance (2). Last evaluated 2025-08-17.

Conditions:
Simpson-Golabi-Behmel syndrome type 1 (SGBS1). Also called: BULLDOG SYNDROME; DYSPLASIA GIGANTISM SYNDROME, X-LINKED; GOLABI-ROSEN SYNDROME; SIMPSON DYSMORPHIA SYNDROME; GPC3-Related Simpson-Golabi-Behmel Syndrome Type 1. Identifiers: Orphanet 373, MedGen C0796154, MONDO:0020602, OMIM 312870.
Wilms tumor 1 (WT1). Also called: Wilms tumor, somatic. Identifiers: Orphanet 654, MedGen CN033288, MONDO:0008679, OMIM 194070.

Submissions (2):

Labcorp Genetics (formerly Invitae), Labcorp
Classification: Uncertain significance for Wilms tumor 1. Last evaluated: 2025-08-17. Review status: criteria provided, single submitter. Criteria: Invitae Variant Classification Sherloc (09022015). Collection method: clinical testing. Allele origin: germline.
Comment: This sequence change replaces asparagine, which is neutral and polar, with serine, which is neutral and polar, at codon 446 of the GPC3 protein (p.Asn446Ser). This variant is not present in population databases (gnomAD no frequency). This variant has not been reported in the literature in individuals affected with GPC3-related conditions. ClinVar contains an entry for this variant (Variation ID: 3250424). Invitae Evidence Modeling of protein sequence and biophysical properties (such as structural, functional, and spatial information, amino acid conservation, physicochemical variation, residue mobility, and thermodynamic stability) indicates that this missense variant is not expected to disrupt GPC3 protein function with a negative predictive value of 80%. In summary, the available evidence is currently insufficient to determine the role of this variant in disease. Therefore, it has been classified as a Variant of Uncertain Significance.

Neuberg Centre For Genomic Medicine, NCGM
Classification: Uncertain significance for Simpson-Golabi-Behmel syndrome type 1. Review status: criteria provided, single submitter. Criteria: ACMG Guidelines, 2015. Collection method: clinical testing. Allele origin: germline. Inheritance: X-linked recessive inheritance. Affected: yes.
Comment: The observed missense c.2002G>C (p.Val668Leu) variant in POLR1A gene has not been reported previously as a pathogenic variant nor as a benign variant, to our knowledge. The p.Val668Leu variant is absent in gnomAD Exomes. This variant has not been submitted to the ClinVar database. The amino acid change p.Val668Leu in POLR1A is predicted as conserved by GERP++ and PhyloP across 100 vertebrates. The amino acid Val at position 668 is changed to a Leu changing protein sequence and it might alter its composition and physico-chemical properties. For these reasons, this variant has been classified as a Variant of Uncertain Significance (VUS).